The following is an entry in ClinVar:

NM_015335.5(MED13L):c.5269dup (p.Gln1757fs)

Gene: MED13L (mediator complex subunit 13L; minus strand). Cytogenetic location: 12q24.21.
Variant type: Duplication.
Coding change: c.5269dup on transcript NM_015335.5 (MANE Select); coding-DNA position 5269, one base duplicated (C; older notation c.5269dupC).
Protein change: p.Gln1757fs; shifts the reading frame from glutamine 1757.
Molecular consequence: frameshift variant.
Genome position (GRCh38, 1-based): chr12:115,980,845, G duplicated on the plus strand (C on the coding strand, the reverse complement: MED13L is on the minus strand); the first of 2 consecutive G bases (chr12:115,980,845-115,980,846); duplicating either gives the same sequence. VCF-style (leftmost placement, unchanged base first): chr12-115980844-T-TG. GRCh37 (hg19) VCF-style: chr12-116418649-T-TG.
Other names: short protein forms Q1757fs.
Identifiers: ClinVar variation 928548 (VCV000928548.1), dbSNP rs1877279397, ClinGen allele CA1139662916.

ClinVar aggregate classification (germline): Likely pathogenic (1 of 4 stars; one submission).

Conditions:
Cardiac anomalies - developmental delay - facial dysmorphism syndrome (MRFACD). Also called: MED13L Syndrome; Impaired intellectual development and distinctive facial features with or without cardiac defects. Identifiers: Orphanet 369891, MedGen C5192431, MONDO:0014773, OMIM 616789.

Submission:

Women's Health and Genetics/Laboratory Corporation of America, LabCorp
Classification: Likely pathogenic for Mental retardation and distinctive facial features with or without cardiac defects. Last evaluated: 2019-08-14. Review status: criteria provided, single submitter. Criteria: LabCorp Variant Classification Summary - May 2015. Collection method: clinical testing. Allele origin: germline.
Comment: Variant summary: MED13L c.5269dupC (p.Gln1757ProfsX13) results in a premature termination codon, predicted to cause a truncation of the encoded protein or absence of the protein due to nonsense mediated decay, which are commonly known mechanisms for disease. The variant was absent in 250814 control chromosomes (gnomAD). To our knowledge, no occurrence of c.5269dupC in individuals affected with Intellectual disability and distinctive facial features with or without cardiac defects and no experimental evidence demonstrating its impact on protein function have been reported. No submitters have provided clinical-significance assessments for this variant to ClinVar after 2014. Based on the evidence outlined above, the variant was classified as likely pathogenic.